The following is an entry in ClinVar:

NM_000138.5(FBN1):c.2882G>A (p.Arg961Lys)

Gene: FBN1 (fibrillin 1; minus strand). Cytogenetic location: 15q21.1.
Variant type: single nucleotide variant.
Coding change: c.2882G>A on transcript NM_000138.5 (MANE Select); coding-DNA position 2882, G replaced by A.
Protein change: p.Arg961Lys; replaces arginine 961 with lysine.
Molecular consequence: missense variant.
Genome position (GRCh38, 1-based): chr15:48,490,051, C>T on the plus strand (G>A on the coding strand, the complement: FBN1 is on the minus strand). VCF-style: chr15-48490051-C-T. GRCh37 (hg19) VCF-style: chr15-48782248-C-T.
Other names: short protein forms R961K.
Identifiers: ClinVar variation 264248 (VCV000264248.11), dbSNP rs886039100, ClinGen allele CA10587842.

ClinVar aggregate classification (germline): Uncertain significance. Review status: criteria provided, multiple submitters, no conflicts (2 of 4 stars). 2 submissions from 2 submitters: Uncertain significance (2). Last evaluated 2022-10-25.

Conditions:
Marfan syndrome (MFS). Also called: MARFAN SYNDROME, TYPE I; FBN1-Related Marfan Syndrome; Marfan syndrome, classic; Marfan syndrome type 1; Marfan's syndrome. Identifiers: Orphanet 284963, Orphanet 558, MedGen C0024796, MONDO:0007947, OMIM 154700.
Familial thoracic aortic aneurysm and aortic dissection (TAAD). Also called: Thoracic aortic aneurysms and dissections. Identifiers: Orphanet 91387, MedGen C4707243, MONDO:0019625.

Submissions (2):

Labcorp Genetics (formerly Invitae), Labcorp
Classification: Uncertain significance for Marfan syndrome; Familial thoracic aortic aneurysm and aortic dissection. Last evaluated: 2022-10-25. Review status: criteria provided, single submitter. Criteria: Invitae Variant Classification Sherloc (09022015). Collection method: clinical testing. Allele origin: germline.
Comment: This sequence change replaces arginine, which is basic and polar, with lysine, which is basic and polar, at codon 961 of the FBN1 protein (p.Arg961Lys). In summary, the available evidence is currently insufficient to determine the role of this variant in disease. Therefore, it has been classified as a Variant of Uncertain Significance. Advanced modeling of protein sequence and biophysical properties (such as structural, functional, and spatial information, amino acid conservation, physicochemical variation, residue mobility, and thermodynamic stability) performed at Invitae indicates that this missense variant is not expected to disrupt FBN1 protein function. ClinVar contains an entry for this variant (Variation ID: 264248). This variant has not been reported in the literature in individuals affected with FBN1-related conditions. This variant is not present in population databases (gnomAD no frequency).

Ambry Genetics
Classification: Uncertain significance for Familial thoracic aortic aneurysm and aortic dissection. Last evaluated: 2015-08-24. Review status: criteria provided, single submitter. Criteria: Ambry Variant Classification Scheme 2023. Collection method: clinical testing. Allele origin: germline.
Comment: The p.R961K variant (also known as c.2882G>A), located in coding exon 24 of the FBN1 gene, results from a G to A substitution at nucleotide position 2882. The arginine at codon 961 is replaced by lysine, an amino acid with highly similar properties. This variant was not reported in population based cohorts in the following databases: Database of Single Nucleotide Polymorphisms (dbSNP), NHLBI Exome Sequencing Project (ESP), and 1000 Genomes Project. In the ESP, this variant was not observed in 6494 samples (12988 alleles) with coverage at this position. This amino acid position is poorly conserved in available vertebrate species. In addition, this alteration is predicted to be tolerated by in silico analysis. Since supporting evidence is limited at this time, the clinical significance of this variant remains unclear.